The following is an entry in ClinVar:

ClinVar aggregate classification (germline): Uncertain significance (1 of 4 stars; one submission).

Submission:

GeneDx
Classification: Uncertain significance. Last evaluated: 2023-10-17. Review status: criteria provided, single submitter. Criteria: GeneDx Variant Classification Process June 2021. Collection method: clinical testing. Allele origin: germline. Affected: yes.
Comment: Nonsense variant predicted to result in protein truncation or nonsense mediated decay in a gene or region of a gene for which loss of function is not a well-established mechanism of disease; Not observed at significant frequency in large population cohorts (gnomAD); Has not been previously published as pathogenic or benign to our knowledge

NM_198503.5(KCNT2):c.1426C>T (p.Gln476Ter)

Gene: KCNT2 (potassium sodium-activated channel subfamily T member 2; minus strand). Cytogenetic location: 1q31.3.
Variant type: single nucleotide variant.
Coding change: c.1426C>T on transcript NM_198503.5 (MANE Select); coding-DNA position 1426, C replaced by T.
Protein change: p.Gln476Ter; replaces glutamine 476 with a stop codon.
Molecular consequence: nonsense. On other transcripts: non-coding transcript variant (2), intron variant (1).
Genome position (GRCh38, 1-based): chr1:196,342,206, G>A on the plus strand (C>T on the coding strand, the complement: KCNT2 is on the minus strand). VCF-style: chr1-196342206-G-A. GRCh37 (hg19) VCF-style: chr1-196311336-G-A.
Other names: c.1426C>T, p.Gln476Ter (NM_001287819.3); c.1404-1636C>T (NM_001287820.3); short protein forms Q476*.
Identifiers: ClinVar variation 3252619 (VCV003252619.1), dbSNP rs2527070846.
Genomic context (GRCh38, chr1:196,342,206, plus strand): 5'-CTTCCAAAACAATGTGGTAGACTTCATTCCCGGAGCATCTACCGTACATCTTCTGCCATT[G>A]TTCTGGCGATTGCTGGCCTTCTCTGCAACACAGGCACACACACATACACACACACAAAAA-3'